The following is an entry in ClinVar:

NM_000094.4(COL7A1):c.1294C>T (p.Leu432Phe)

Gene: COL7A1 (collagen type VII alpha 1 chain; minus strand). Cytogenetic location: 3p21.31.
Variant type: single nucleotide variant.
Coding change: c.1294C>T on transcript NM_000094.4 (MANE Select); coding-DNA position 1294, C replaced by T.
Protein change: p.Leu432Phe; replaces leucine 432 with phenylalanine.
Molecular consequence: missense variant.
Genome position (GRCh38, 1-based): chr3:48,591,961, G>A on the plus strand (C>T on the coding strand, the complement: COL7A1 is on the minus strand). VCF-style: chr3-48591961-G-A. GRCh37 (hg19) VCF-style: chr3-48629394-G-A.
Other names: short protein forms L432F.
Identifiers: ClinVar variation 3617621 (VCV003617621.2).

ClinVar aggregate classification (germline): Uncertain significance (1 of 4 stars; one submission).

gnomAD v4.1: 11 of 1,614,216 alleles (0.00068%); highest among the groups gnomAD compares: Non-Finnish European, 0.00093%; no homozygotes.

Submission:

Labcorp Genetics (formerly Invitae), Labcorp
Classification: Uncertain significance. Last evaluated: 2025-01-30. Review status: criteria provided, single submitter. Criteria: Invitae Variant Classification Sherloc (09022015). Collection method: clinical testing. Allele origin: germline.
Comment: This sequence change replaces leucine, which is neutral and non-polar, with phenylalanine, which is neutral and non-polar, at codon 432 of the COL7A1 protein (p.Leu432Phe). This variant is not present in population databases (gnomAD no frequency). This variant has not been reported in the literature in individuals affected with COL7A1-related conditions. Invitae Evidence Modeling of protein sequence and biophysical properties (such as structural, functional, and spatial information, amino acid conservation, physicochemical variation, residue mobility, and thermodynamic stability) indicates that this missense variant is not expected to disrupt COL7A1 protein function with a negative predictive value of 95%. In summary, the available evidence is currently insufficient to determine the role of this variant in disease. Therefore, it has been classified as a Variant of Uncertain Significance.